The following is an entry in ClinVar:

ClinVar aggregate classification (germline): Pathogenic (0 of 4 stars; one submission).

Conditions:
Pyruvate dehydrogenase E1-alpha deficiency (PDHAD). Also called: ATAXIA, INTERMITTENT, WITH PYRUVATE DEHYDROGENASE DEFICIENCY; ATAXIA WITH LACTIC ACIDOSIS I; ATAXIA, INTERMITTENT, WITH ABNORMAL PYRUVATE METABOLISM; Ataxia, intermittent, with pyruvate dehydrogenase, or decarboxylase, deficiency. Identifiers: Orphanet 79243, MedGen C1839413, MONDO:0010717, OMIM 312170.

Submission:

PDHA1 Study Group, University Children’s Hospital, Paracelsus Medical University
Classification: Pathogenic for Pyruvate dehydrogenase E1-alpha deficiency. Last evaluated: 2024-10-15. Review status: no assertion criteria provided. Collection method: research. Allele origin: de novo. Affected: yes. Observed: 1 variant allele.
Comment: The NM_000284.3:c.1124_1132del (p.Phe375_Arg378delinsCys) change is a deletion-insertion (delins) variant in PDHA1 gene. Among them, 1 case had confirmed de novo occurrence. Last literature search: July 12, 2024. This variant is absent or extremely rare in population-based cohorts in the Genome Aggregation Database (gnomAD). Individuals harboring this variant presented with clinical features compatible with PDHA1-related PDHc deficiency. In summary, this variant meets criteria to be classified as pathogenic (P) for PDHA1-related PDHc deficiency based on the ACMG/AMP criteria applied: PVS1, PS2, PM2 (last assessment October 15, 2024).

Literature cited by the submitters: DOI 10.1093/brain/awaf430.

NM_000284.4(PDHA1):c.1124_1132del (p.Phe375_Arg378delinsCys)

Gene: PDHA1 (pyruvate dehydrogenase E1 subunit alpha 1; plus strand). Cytogenetic location: Xp22.12.
Variant type: Deletion.
Coding change: c.1124_1132del on transcript NM_000284.4 (MANE Select); coding-DNA positions 1124 to 1132, 9 bases deleted (TTGAAGTTC; older notation c.1124_1132delTTGAAGTTC).
Protein change: p.Phe375_Arg378delinsCys.
Molecular consequence: inframe indel.
Genome position (GRCh38, 1-based): chrX:19,359,604-19,359,612, TTGAAGTTC deleted. VCF-style (leftmost placement, unchanged base first): chrX-19359603-TTTGAAGTTC-T. GRCh37 (hg19) VCF-style: chrX-19377721-TTTGAAGTTC-T.
Other names: c.1238_1246del, p.Phe413_Arg416delinsCys (NM_001173454.2); c.1145_1153del, p.Phe382_Arg385delinsCys (NM_001173455.2); c.1031_1039del, p.Phe344_Arg347delinsCys (NM_001173456.2).
Identifiers: ClinVar variation 4070463 (VCV004070463.1).
Genomic context (GRCh38, chrX:19,359,603, plus strand): 5'-GCCGATCCTGAGCCACCTTTGGAAGAGCTGGGCTACCACATCTACTCCAGCGACCCACCT[TTTGAAGTTC>T]GTGGTGCCAATCAGTGGATCAAGTTTAAGTCAGTCAGTTAAGGGGAGGAGAAGGAGAGGT-3'